The following is an entry in ClinVar:

ClinVar aggregate classification (germline): Uncertain significance (1 of 4 stars; one submission).

Submission:

GeneDx
Classification: Uncertain significance. Last evaluated: 2023-01-30. Review status: criteria provided, single submitter. Criteria: GeneDx Variant Classification Process June 2021. Collection method: clinical testing. Allele origin: germline. Affected: yes.
Comment: Not observed in large population cohorts (gnomAD); In silico analysis supports that this missense variant does not alter protein structure/function; Has not been previously published as pathogenic or benign to our knowledge

NM_031407.7(HUWE1):c.4180G>A (p.Glu1394Lys)

Gene: HUWE1 (HECT, UBA and WWE domain containing E3 ubiquitin protein ligase 1; minus strand). Cytogenetic location: Xp11.22.
Variant type: single nucleotide variant.
Coding change: c.4180G>A on transcript NM_031407.7 (MANE Select); coding-DNA position 4180, G replaced by A.
Protein change: p.Glu1394Lys; replaces glutamic acid 1394 with lysine.
Molecular consequence: missense variant.
Genome position (GRCh38, 1-based): chrX:53,590,415, C>T on the plus strand (G>A on the coding strand, the complement: HUWE1 is on the minus strand). VCF-style: chrX-53590415-C-T. GRCh37 (hg19) VCF-style: chrX-53617375-C-T.
Other names: short protein forms E1394K.
Identifiers: ClinVar variation 2428975 (VCV002428975.3), dbSNP rs2525959152, ClinGen allele CA413176929.